The following is an entry in ClinVar:

NM_000092.5(COL4A4):c.4346C>G (p.Pro1449Arg)

Gene: COL4A4 (collagen type IV alpha 4 chain; minus strand). Cytogenetic location: 2q36.3.
Variant type: single nucleotide variant.
Coding change: c.4346C>G on transcript NM_000092.5 (MANE Select); coding-DNA position 4346, C replaced by G.
Protein change: p.Pro1449Arg; replaces proline 1449 with arginine.
Molecular consequence: missense variant.
Genome position (GRCh38, 1-based): chr2:227,010,489, G>C on the plus strand (C>G on the coding strand, the complement: COL4A4 is on the minus strand). VCF-style: chr2-227010489-G-C. GRCh37 (hg19) VCF-style: chr2-227875205-G-C.
Other names: short protein forms P1449R.
Identifiers: ClinVar variation 2440321 (VCV002440321.5), dbSNP rs1452546964, ClinGen allele CA350836341.

ClinVar aggregate classification (germline): Uncertain significance. Review status: criteria provided, multiple submitters, no conflicts (2 of 4 stars). 2 submissions from 2 submitters: Uncertain significance (2). Last evaluated 2023-03-27.

Allele frequency attached by ClinVar (database versions not stated): gnomAD exomes below 0.00001; TOPMed 0.00001.
gnomAD v4.1: 3 of 1,575,604 alleles (0.00019%); highest among the groups gnomAD compares: Admixed American, 0.0039%; no homozygotes.

Submissions (2):

Genetic Services Laboratory, University of Chicago
Classification: Uncertain significance. Last evaluated: 2023-03-27. Review status: criteria provided, single submitter. Criteria: ACMG Guidelines, 2015. Collection method: clinical testing. Allele origin: germline. Affected: no.
Comment: DNA sequence analysis of the COL4A4 gene demonstrated a sequence change, c.4346C>G, in exon 46 that results in an amino acid change, p.Pro1449Arg. This sequence change has been described in the gnomAD database in two individuals corresponding to a population frequency of 0.001% (dbSNP rs1452546964). The p.Pro1449Arg change affects a moderately conserved amino acid residue located in a domain of the COL4A4 protein that is known to be functional. In-silico pathogenicity prediction tools (SIFT, PolyPhen2, Align GVGD, REVEL) provide contradictory results for the p.Pro1449Arg substitution. This sequence change does not appear to have been previously described in individuals with COL4A4-related disorders. Due to insufficient evidences and the lack of functional studies, the clinical significance of the p.Pro1449Arg change remains unknown at this time.

Revvity Omics, Revvity
Classification: Uncertain significance. Last evaluated: 2020-09-08. Review status: criteria provided, single submitter. Criteria: ACMG Guidelines, 2015. Collection method: clinical testing. Allele origin: germline.